The following is an entry in ClinVar:

ClinVar aggregate classification (germline): Uncertain significance. Review status: criteria provided, multiple submitters, no conflicts (2 of 4 stars). 2 submissions from 2 submitters: Uncertain significance (2). Last evaluated 2025-07-29.

Conditions:
Inborn genetic diseases. Identifiers: MedGen C0950123, MeSH D030342.

gnomAD v4.1: 2 of 1,612,796 alleles (0.00012%); highest among the groups gnomAD compares: Non-Finnish European, 0.00017%; no homozygotes.

Submissions (2):

Labcorp Genetics (formerly Invitae), Labcorp
Classification: Uncertain significance. Last evaluated: 2025-07-29. Review status: criteria provided, single submitter. Criteria: Invitae Variant Classification Sherloc (09022015). Collection method: clinical testing. Allele origin: germline.
Comment: This sequence change replaces lysine, which is basic and polar, with arginine, which is basic and polar, at codon 1171 of the RERE protein (p.Lys1171Arg). This variant is not present in population databases (gnomAD no frequency). This variant has not been reported in the literature in individuals affected with RERE-related conditions. ClinVar contains an entry for this variant (Variation ID: 3944575). Invitae Evidence Modeling of protein sequence and biophysical properties (such as structural, functional, and spatial information, amino acid conservation, physicochemical variation, residue mobility, and thermodynamic stability) has been performed for this missense variant. However, the output from this modeling did not meet the statistical confidence thresholds required to predict the impact of this variant on RERE protein function. In summary, the available evidence is currently insufficient to determine the role of this variant in disease. Therefore, it has been classified as a Variant of Uncertain Significance.

Ambry Genetics
Classification: Uncertain significance for Inborn genetic diseases. Last evaluated: 2025-04-14. Review status: criteria provided, single submitter. Criteria: Ambry Variant Classification Scheme 2023. Collection method: clinical testing. Allele origin: germline.

NM_001042681.2(RERE):c.3512A>G (p.Lys1171Arg)

Gene: RERE (arginine-glutamic acid dipeptide repeats; minus strand). Cytogenetic location: 1p36.23.
Variant type: single nucleotide variant.
Coding change: c.3512A>G on transcript NM_001042681.2 (MANE Select); coding-DNA position 3512, A replaced by G.
Protein change: p.Lys1171Arg; replaces lysine 1171 with arginine.
Molecular consequence: missense variant.
Genome position (GRCh38, 1-based): chr1:8,359,870, T>C on the plus strand (A>G on the coding strand, the complement: RERE is on the minus strand). VCF-style: chr1-8359870-T-C. GRCh37 (hg19) VCF-style: chr1-8419930-T-C.
Other names: c.1850A>G, p.Lys617Arg (NM_001042682.2); c.3512A>G, p.Lys1171Arg (NM_012102.4); short protein forms K1171R, K617R.
Identifiers: ClinVar variation 3944575 (VCV003944575.2).